The following is an entry in ClinVar:

NM_001267550.2(TTN):c.93197T>C (p.Ile31066Thr)

Genes: TTN (titin; minus strand), TTN-AS1 (TTN antisense RNA 1; plus strand). Cytogenetic location: 2q31.2.
Variant type: single nucleotide variant.
Coding change: c.93197T>C on transcript NM_001267550.2 (MANE Select); coding-DNA position 93197, T replaced by C.
Protein change: p.Ile31066Thr; replaces isoleucine 31066 with threonine.
Molecular consequence: missense variant.
Genome position (GRCh38, 1-based): chr2:178,548,429, A>G on the plus strand (T>C on the coding strand, the complement: TTN is on the minus strand). VCF-style: chr2-178548429-A-G. GRCh37 (hg19) VCF-style: chr2-179413156-A-G.
Other names: c.88274T>C, p.Ile29425Thr (NM_001256850.1); c.66002T>C, p.Ile22001Thr (NM_003319.4); c.85493T>C, p.Ile28498Thr (NM_133378.4); c.66377T>C, p.Ile22126Thr (NM_133432.3); c.66578T>C, p.Ile22193Thr (NM_133437.4); short protein forms I22001T, I22126T, I29425T, I28498T, I31066T, I22193T.
Identifiers: ClinVar variation 1754420 (VCV001754420.2), dbSNP rs2469126765, ClinGen allele CA349487165.

ClinVar aggregate classification (germline): Uncertain significance (1 of 4 stars; one submission).

Conditions:
Cardiovascular phenotype. Identifiers: MedGen CN230736.

Submission:

Ambry Genetics
Classification: Uncertain significance for Cardiovascular phenotype. Last evaluated: 2019-08-12. Review status: criteria provided, single submitter. Criteria: Ambry Variant Classification Scheme 2023. Collection method: clinical testing. Allele origin: germline.
Comment: The p.I22001T variant (also known as c.66002T>C), located in coding exon 166 of the TTN gene, results from a T to C substitution at nucleotide position 66002. The isoleucine at codon 22001 is replaced by threonine, an amino acid with similar properties. This amino acid position is poorly conserved in available vertebrate species. In addition, this alteration is predicted to be tolerated by in silico analysis. Since supporting evidence is limited at this time, the clinical significance of this alteration remains unclear.